The following is an entry in ClinVar:

NM_001170700.3(DTHD1):c.1085T>C (p.Ile362Thr)

Gene: DTHD1 (death domain containing 1; plus strand). Cytogenetic location: 4p14.
Variant type: single nucleotide variant.
Coding change: c.1085T>C on transcript NM_001170700.3 (MANE Select); coding-DNA position 1085, T replaced by C.
Protein change: p.Ile362Thr; replaces isoleucine 362 with threonine.
Molecular consequence: missense variant. On other transcripts: non-coding transcript variant (2).
Genome position (GRCh38, 1-based): chr4:36,290,570, T>C. VCF-style: chr4-36290570-T-C. GRCh37 (hg19) VCF-style: chr4-36292192-T-C.
Other names: c.215T>C, p.Ile72Thr (NM_001136536.5, NM_001378435.1); short protein forms I362T, I72T.
Identifiers: ClinVar variation 1447970 (VCV001447970.8), dbSNP rs777500108, ClinGen allele CA2885609.

ClinVar aggregate classification (germline): Uncertain significance (1 of 4 stars; one submission).

Allele frequency attached by ClinVar (database versions not stated): TOPMed below 0.00001; gnomAD exomes 0.00001; ExAC 0.00005.
gnomAD v4.1: 1 of 1,551,582 alleles (0.000064%); highest among the groups gnomAD compares: Non-Finnish European, 0.000087%; no homozygotes.

Submission:

Labcorp Genetics (formerly Invitae), Labcorp
Classification: Uncertain significance. Last evaluated: 2024-02-01. Review status: criteria provided, single submitter. Criteria: Invitae Variant Classification Sherloc (09022015). Collection method: clinical testing. Allele origin: germline.
Comment: This sequence change replaces isoleucine, which is neutral and non-polar, with threonine, which is neutral and polar, at codon 72 of the DTHD1 protein (p.Ile72Thr). This variant is not present in population databases (gnomAD no frequency). This variant has not been reported in the literature in individuals affected with DTHD1-related conditions. ClinVar contains an entry for this variant (Variation ID: 1447970). An algorithm developed to predict the effect of missense changes on protein structure and function (PolyPhen-2) suggests that this variant is likely to be disruptive. In summary, the available evidence is currently insufficient to determine the role of this variant in disease. Therefore, it has been classified as a Variant of Uncertain Significance.